The following is an entry in ClinVar:

ClinVar aggregate classification (germline): Pathogenic (1 of 4 stars; one submission).

Submission:

Labcorp Genetics (formerly Invitae), Labcorp
Classification: Pathogenic. Last evaluated: 2025-12-31. Review status: criteria provided, single submitter. Criteria: Invitae Variant Classification Sherloc (09022015). Collection method: clinical testing. Allele origin: germline.
Comment: This sequence change creates a premature translational stop signal (p.Asn122Ilefs*8) in the CERS3 gene. It is expected to result in an absent or disrupted protein product. Loss-of-function variants in CERS3 are known to be pathogenic (PMID: 23754960, 28875980, 30578701). This variant is not present in population databases (gnomAD no frequency). This variant has not been reported in the literature in individuals affected with CERS3-related conditions. For these reasons, this variant has been classified as Pathogenic.

Literature cited by the submitters: PubMed 23754960; PubMed 28875980; PubMed 30578701.

NM_001378789.1(CERS3):c.363del (p.Asn122fs)

Gene: CERS3 (ceramide synthase 3; minus strand). Cytogenetic location: 15q26.3.
Variant type: Deletion.
Coding change: c.363del on transcript NM_001378789.1 (MANE Select); coding-DNA position 363, one base deleted (G; older notation c.363delG).
Protein change: p.Asn122fs; shifts the reading frame from asparagine 122.
Molecular consequence: frameshift variant.
Genome position (GRCh38, 1-based): chr15:100,484,594, C deleted on the plus strand (G on the coding strand, the reverse complement: CERS3 is on the minus strand); the first of 2 consecutive C bases (chr15:100,484,594-100,484,595); deleting either gives the same sequence. VCF-style (leftmost placement, unchanged base first): chr15-100484593-TC-T. GRCh37 (hg19) VCF-style: chr15-101024798-TC-T.
Other names: c.396del, p.Asn133fs (NM_001290341.2); c.363del, p.Asn122fs (NM_001290342.2, NM_001290343.2, NM_178842.5); short protein forms N122fs, N133fs.
Identifiers: ClinVar variation 4734458 (VCV004734458.1).